The following is an entry in ClinVar:

NM_177438.3(DICER1):c.5645T>C (p.Val1882Ala)

Gene: DICER1 (dicer 1, ribonuclease III; minus strand). Cytogenetic location: 14q32.13.
Variant type: single nucleotide variant.
Coding change: c.5645T>C on transcript NM_177438.3 (MANE Select); coding-DNA position 5645, T replaced by C.
Protein change: p.Val1882Ala; replaces valine 1882 with alanine.
Molecular consequence: missense variant. On other transcripts: non-coding transcript variant (6).
Genome position (GRCh38, 1-based): chr14:95,090,622, A>G on the plus strand (T>C on the coding strand, the complement: DICER1 is on the minus strand). VCF-style: chr14-95090622-A-G. GRCh37 (hg19) VCF-style: chr14-95556959-A-G.
Other names: c.5482T>C, p.Trp1828Arg (NM_001195573.1); c.5645T>C, p.Val1882Ala (NM_001271282.3, NM_001291628.2, NM_001395677.1 and 8 more transcripts); c.5363T>C, p.Val1788Ala (NM_001395686.1); c.5240T>C, p.Val1747Ala (NM_001395687.1, NM_001395688.1, NM_001395689.1 and 1 more transcripts); c.5078T>C, p.Val1693Ala (NM_001395691.1); c.3962T>C, p.Val1321Ala (NM_001395697.1); short protein forms V1321A, V1882A, W1828R, V1693A, V1788A, V1747A.
Identifiers: ClinVar variation 2131421 (VCV002131421.5), dbSNP rs2542391695, ClinGen allele CA390863535.

ClinVar aggregate classification (germline): Uncertain significance. Review status: criteria provided, multiple submitters, no conflicts (2 of 4 stars). 2 submissions from 2 submitters: Uncertain significance (2). Last evaluated 2025-05-16.

Conditions:
DICER1-related tumor predisposition. Also called: DICER1 syndrome; DICER1-related pleuropulmonary blastoma cancer predisposition syndrome. Identifiers: Orphanet 284343, MedGen C3839822, MONDO:0100216.
Hereditary cancer-predisposing syndrome. Also called: Hereditary Cancer Syndrome; Neoplastic Syndromes, Hereditary; Hereditary neoplastic syndrome; Tumor predisposition. Identifiers: Orphanet 140162, MedGen C0027672, MeSH D009386, MONDO:0015356.

Submissions (2):

Ambry Genetics
Classification: Uncertain significance for Hereditary cancer-predisposing syndrome. Last evaluated: 2025-05-16. Review status: criteria provided, single submitter. Criteria: Ambry Variant Classification Scheme 2023. Collection method: clinical testing. Allele origin: germline.
Comment: The p.V1882A variant (also known as c.5645T>C), located in coding exon 26 of the DICER1 gene, results from a T to C substitution at nucleotide position 5645. The valine at codon 1882 is replaced by alanine, an amino acid with similar properties. This amino acid position is conserved. In addition, this alteration is predicted to be deleterious by in silico analysis. Based on the available evidence, the clinical significance of this variant remains unclear.

Labcorp Genetics (formerly Invitae), Labcorp
Classification: Uncertain significance for DICER1-related tumor predisposition. Last evaluated: 2022-07-01. Review status: criteria provided, single submitter. Criteria: Invitae Variant Classification Sherloc (09022015). Collection method: clinical testing. Allele origin: germline.
Comment: In summary, the available evidence is currently insufficient to determine the role of this variant in disease. Therefore, it has been classified as a Variant of Uncertain Significance. Algorithms developed to predict the effect of missense changes on protein structure and function (SIFT, PolyPhen-2, Align-GVGD) all suggest that this variant is likely to be disruptive. This variant has not been reported in the literature in individuals affected with DICER1-related conditions. This variant is not present in population databases (gnomAD no frequency). This sequence change replaces valine, which is neutral and non-polar, with alanine, which is neutral and non-polar, at codon 1882 of the DICER1 protein (p.Val1882Ala).